The following is an entry in ClinVar:

NM_152703.5(SAMD9L):c.1841T>C (p.Ile614Thr)

Gene: SAMD9L (sterile alpha motif domain containing 9 like; minus strand). Cytogenetic location: 7q21.2.
Variant type: single nucleotide variant.
Coding change: c.1841T>C on transcript NM_152703.5 (MANE Select); coding-DNA position 1841, T replaced by C.
Protein change: p.Ile614Thr; replaces isoleucine 614 with threonine.
Molecular consequence: missense variant.
Genome position (GRCh38, 1-based): chr7:93,134,131, A>G on the plus strand (T>C on the coding strand, the complement: SAMD9L is on the minus strand). VCF-style: chr7-93134131-A-G. GRCh37 (hg19) VCF-style: chr7-92763444-A-G.
Other names: c.1841T>C, p.Ile614Thr (NM_001303496.3, NM_001303497.3, NM_001303498.3 and 5 more transcripts); short protein forms I614T.
Identifiers: ClinVar variation 3792255 (VCV003792255.2).

ClinVar aggregate classification (germline): Uncertain significance. Review status: criteria provided, multiple submitters, no conflicts (2 of 4 stars). 2 submissions from 2 submitters: Uncertain significance (2). Last evaluated 2024-12-29.

Conditions:
Inborn genetic diseases. Identifiers: MedGen C0950123, MeSH D030342.

Submissions (2):

Ambry Genetics
Classification: Uncertain significance for Inborn genetic diseases. Last evaluated: 2024-12-29. Review status: criteria provided, single submitter. Criteria: Ambry Variant Classification Scheme 2023. Collection method: clinical testing. Allele origin: germline.
Comment: The p.I614T variant (also known as c.1841T>C), located in coding exon 1 of the SAMD9L gene, results from a T to C substitution at nucleotide position 1841. The isoleucine at codon 614 is replaced by threonine, an amino acid with similar properties. This amino acid position is conserved. In addition, this alteration is predicted to be tolerated by in silico analysis. Based on the available evidence, the clinical significance of this variant remains unclear.

Blueprint Genetics
Classification: Uncertain significance. Last evaluated: 2023-11-06. Review status: criteria provided, single submitter. Criteria: ACMG Guidelines, 2015. Collection method: clinical testing. Allele origin: germline.